The following is an entry in ClinVar:

NM_001370466.1(NOD2):c.-8-2212T>G

Gene: NOD2 (nucleotide binding oligomerization domain containing 2; plus strand). Cytogenetic location: 16q12.1.
Variant type: single nucleotide variant.
Coding change: c.-8-2212T>G on transcript NM_001370466.1 (MANE Select); 2212 bases into the intron before 8 bases upstream of the start codon, T replaced by G.
Molecular consequence: intron variant. On other transcripts: missense variant (1).
Genome position (GRCh38, 1-based): chr16:50,697,276, T>G. VCF-style: chr16-50697276-T-G. GRCh37 (hg19) VCF-style: chr16-50731187-T-G.
Other names: c.33T>G, p.Asp11Glu (NM_022162.3); short protein forms D11E.
Identifiers: ClinVar variation 3754266 (VCV003754266.2).

ClinVar aggregate classification (germline): Uncertain significance (1 of 4 stars; one submission).

Conditions:
Regional enteritis. Also called: Enteritis, Granulomatous. Identifiers: MedGen C0678202, MeSH D003424.
Blau syndrome (BLAUS). Also called: ARTHROCUTANEOUVEAL GRANULOMATOSIS; GRANULOMATOSIS, FAMILIAL JUVENILE SYSTEMIC; GRANULOMATOSIS, FAMILIAL, BLAU TYPE; GRANULOMATOUS INFLAMMATORY ARTHRITIS, DERMATITIS, AND UVEITIS, FAMILIAL; JABS SYNDROME. Identifiers: Orphanet 90340, MedGen C5201146, MONDO:0008523, OMIM 186580.

gnomAD v4.1: 6 of 1,560,580 alleles (0.00038%); highest among the groups gnomAD compares: Non-Finnish European, 0.00043%; no homozygotes.

Submission:

Labcorp Genetics (formerly Invitae), Labcorp
Classification: Uncertain significance for Regional enteritis; Blau syndrome. Last evaluated: 2024-06-22. Review status: criteria provided, single submitter. Criteria: Invitae Variant Classification Sherloc (09022015). Collection method: clinical testing. Allele origin: germline.
Comment: This sequence change replaces aspartic acid, which is acidic and polar, with glutamic acid, which is acidic and polar, at codon 11 of the NOD2 protein (p.Asp11Glu). This variant is not present in population databases (gnomAD no frequency). This variant has not been reported in the literature in individuals affected with NOD2-related conditions. Advanced modeling of protein sequence and biophysical properties (such as structural, functional, and spatial information, amino acid conservation, physicochemical variation, residue mobility, and thermodynamic stability) performed at Invitae indicates that this missense variant is not expected to disrupt NOD2 protein function with a negative predictive value of 95%. In summary, the available evidence is currently insufficient to determine the role of this variant in disease. Therefore, it has been classified as a Variant of Uncertain Significance.